The following is an entry in ClinVar:

NM_005591.4(MRE11):c.248G>A (p.Cys83Tyr)

Gene: MRE11 (MRE11 double strand break repair nuclease; minus strand). Cytogenetic location: 11q21.
Variant type: single nucleotide variant.
Coding change: c.248G>A on transcript NM_005591.4 (MANE Select); coding-DNA position 248, G replaced by A.
Protein change: p.Cys83Tyr; replaces cysteine 83 with tyrosine.
Molecular consequence: missense variant.
Genome position (GRCh38, 1-based): chr11:94,485,990, C>T on the plus strand (G>A on the coding strand, the complement: MRE11 is on the minus strand). VCF-style: chr11-94485990-C-T. GRCh37 (hg19) VCF-style: chr11-94219156-C-T.
Other names: c.248G>A, p.Cys83Tyr (NM_001330347.2, NM_005590.4); short protein forms C83Y.
Identifiers: ClinVar variation 1800422 (VCV001800422.6), dbSNP rs2496619802, ClinGen allele CA382379551.
Genomic context (GRCh38, chr11:94,485,990, plus strand): 5'-AAACCAAAGTTGACTGACTGATCACTGAGAATTTCAAACTGGACAGGCCGATCACCCATA[C>T]AATATTTTCTTAATAACTCGAGGCAGGTATGTAATGTTTTCCTTGAGGGCTTATTTTCAT-3'
Protein context (NP_005582.1, residues 73-93): HTCLELLRKY[Cys83Tyr]MGDRPVQFEI

ClinVar aggregate classification (germline): Uncertain significance. Review status: criteria provided, multiple submitters, no conflicts (2 of 4 stars). 2 submissions from 2 submitters: Uncertain significance (2). Last evaluated 2025-06-19.

Conditions:
Ataxia-telangiectasia-like disorder (ATLD). Identifiers: MedGen C1858391, MONDO:0011457.
Hereditary cancer-predisposing syndrome. Also called: Neoplastic Syndromes, Hereditary; Tumor predisposition; Hereditary Cancer Syndrome; Hereditary neoplastic syndrome. Identifiers: Orphanet 140162, MedGen C0027672, MeSH D009386, MONDO:0015356.

Submissions (2):

Ambry Genetics
Classification: Uncertain significance for Hereditary cancer-predisposing syndrome. Last evaluated: 2025-06-19. Review status: criteria provided, single submitter. Criteria: Ambry Variant Classification Scheme 2023. Collection method: clinical testing. Allele origin: germline.
Comment: The p.C83Y variant (also known as c.248G>A), located in coding exon 3 of the MRE11A gene, results from a G to A substitution at nucleotide position 248. The cysteine at codon 83 is replaced by tyrosine, an amino acid with highly dissimilar properties. This amino acid position is highly conserved in available vertebrate species. In addition, this alteration is predicted to be deleterious by in silico analysis. Since supporting evidence is limited at this time, the clinical significance of this alteration remains unclear.

Labcorp Genetics (formerly Invitae), Labcorp
Classification: Uncertain significance for Ataxia-telangiectasia-like disorder. Last evaluated: 2023-10-12. Review status: criteria provided, single submitter. Criteria: Invitae Variant Classification Sherloc (09022015). Collection method: clinical testing. Allele origin: germline.
Comment: This sequence change replaces cysteine, which is neutral and slightly polar, with tyrosine, which is neutral and polar, at codon 83 of the MRE11 protein (p.Cys83Tyr). This variant is not present in population databases (gnomAD no frequency). This variant has not been reported in the literature in individuals affected with MRE11-related conditions. ClinVar contains an entry for this variant (Variation ID: 1800422). An algorithm developed to predict the effect of missense changes on protein structure and function (PolyPhen-2) suggests that this variant is likely to be disruptive. In summary, the available evidence is currently insufficient to determine the role of this variant in disease. Therefore, it has been classified as a Variant of Uncertain Significance.